The following is an entry in ClinVar:

ClinVar aggregate classification (germline): Uncertain significance (1 of 4 stars; one submission).

Conditions:
Congenital myotonia, autosomal dominant form (THD). Also called: THOMSEN DISEASE; Myotonia congenita autosomal dominant. Identifiers: Orphanet 614, MedGen C2936781, MONDO:0008055, OMIM 160800.
Congenital myotonia, autosomal recessive form. Also called: Becker Generalized Myotonia; myotonia congenita, autosomal recessive; BECKER DISEASE. Identifiers: Orphanet 614, MedGen C0751360, MONDO:0009715, OMIM 255700.

gnomAD v4.1: 1 of 1,614,190 alleles (0.000062%); highest among the groups gnomAD compares: Admixed American, 0.0017%; no homozygotes.

Submission:

Labcorp Genetics (formerly Invitae), Labcorp
Classification: Uncertain significance for Congenital myotonia, autosomal recessive form; Congenital myotonia, autosomal dominant form. Last evaluated: 2024-10-26. Review status: criteria provided, single submitter. Criteria: Invitae Variant Classification Sherloc (09022015). Collection method: clinical testing. Allele origin: germline.
Comment: This sequence change replaces serine, which is neutral and polar, with arginine, which is basic and polar, at codon 156 of the CLCN1 protein (p.Ser156Arg). This variant is present in population databases (no rsID available, gnomAD 0.003%). This variant has not been reported in the literature in individuals affected with CLCN1-related conditions. Invitae Evidence Modeling of protein sequence and biophysical properties (such as structural, functional, and spatial information, amino acid conservation, physicochemical variation, residue mobility, and thermodynamic stability) has been performed for this missense variant. However, the output from this modeling did not meet the statistical confidence thresholds required to predict the impact of this variant on CLCN1 protein function. In summary, the available evidence is currently insufficient to determine the role of this variant in disease. Therefore, it has been classified as a Variant of Uncertain Significance.

NM_000083.3(CLCN1):c.468C>A (p.Ser156Arg)

Gene: CLCN1 (chloride voltage-gated channel 1; plus strand). Cytogenetic location: 7q34.
Variant type: single nucleotide variant.
Coding change: c.468C>A on transcript NM_000083.3 (MANE Select); coding-DNA position 468, C replaced by A.
Protein change: p.Ser156Arg; replaces serine 156 with arginine.
Molecular consequence: missense variant. On other transcripts: non-coding transcript variant (1).
Genome position (GRCh38, 1-based): chr7:143,321,399, C>A. VCF-style: chr7-143321399-C-A. GRCh37 (hg19) VCF-style: chr7-143018492-C-A.
Other names: short protein forms S156R.
Identifiers: ClinVar variation 3752621 (VCV003752621.2).
Genomic context (GRCh38, chr7:143,321,399, plus strand): 5'-CTAACCCCAGGCATGTGTCTCCGCAGCCTACAAGTGGTCCTACGCGCAGATGCAGCCCAG[C>A]CTTCCTCTGCAGTTCCTGGTCTGGGTCACCTTCCCACTAGTCCTCATCCTCTTCAGCGCC-3'
Protein context (NP_000074.3, residues 146-166): YKWSYAQMQP[Ser156Arg]LPLQFLVWVT